The following is an entry in ClinVar:

NM_015627.3(LDLRAP1):c.397G>A (p.Ala133Thr)

Gene: LDLRAP1 (low density lipoprotein receptor adaptor protein 1; plus strand). Cytogenetic location: 1p36.11.
Variant type: single nucleotide variant.
Coding change: c.397G>A on transcript NM_015627.3 (MANE Select); coding-DNA position 397, G replaced by A.
Protein change: p.Ala133Thr; replaces alanine 133 with threonine.
Molecular consequence: missense variant.
Genome position (GRCh38, 1-based): chr1:25,557,205, G>A. VCF-style: chr1-25557205-G-A. GRCh37 (hg19) VCF-style: chr1-25883696-G-A.
Other names: short protein forms A133T.
Identifiers: ClinVar variation 642366 (VCV000642366.7), dbSNP rs529005321, ClinGen allele CA695537.

ClinVar aggregate classification (germline): Uncertain significance. Review status: criteria provided, multiple submitters, no conflicts (2 of 4 stars). 4 submissions from 4 submitters: Uncertain significance (2). 2 of the submissions do not count toward it. Last evaluated 2024-06-25.

Conditions:
Cardiovascular phenotype. Identifiers: MedGen CN230736.
LDLRAP1-related disorder. Also called: LDLRAP1-related condition.
Familial hypercholesterolemia. Also called: Familial hypercholesterolaemia; Familial hypercholesterolemias. Identifiers: MedGen C0020445, MONDO:0005439.
Hypercholesterolemia, familial, 4 (FHCL4). Also called: HYPERCHOLESTEROLEMIA, AUTOSOMAL RECESSIVE, 1; HYPERCHOLESTEROLEMIA, AUTOSOMAL RECESSIVE, 2. Identifiers: Orphanet 391665, MedGen C1863512, MONDO:0011374, OMIM 603813.

Allele frequency attached by ClinVar (database versions not stated): ExAC 0.00002; gnomAD exomes 0.00002; TOPMed 0.00006; gnomAD 0.00007 and 0.00009.
gnomAD v4.1: 38 of 1,614,110 alleles (0.0024%); highest among the groups gnomAD compares: African/African-American, 0.029%; 1 homozygote.

Submissions (4):

Ambry Genetics
Classification: Uncertain significance for Cardiovascular phenotype. Last evaluated: 2024-06-25. Review status: criteria provided, single submitter. Criteria: Ambry Variant Classification Scheme 2023. Collection method: clinical testing. Allele origin: germline.
Comment: The p.A133T variant (also known as c.397G>A), located in coding exon 4 of the LDLRAP1 gene, results from a G to A substitution at nucleotide position 397. The alanine at codon 133 is replaced by threonine, an amino acid with similar properties. This amino acid position is highly conserved in available vertebrate species. In addition, this alteration is predicted to be tolerated by in silico analysis. Based on the available evidence, the clinical significance of this variant remains unclear.

Labcorp Genetics (formerly Invitae), Labcorp
Classification: Uncertain significance for Hypercholesterolemia, familial, 4. Last evaluated: 2021-08-26. Review status: criteria provided, single submitter. Criteria: Invitae Variant Classification Sherloc (09022015). Collection method: clinical testing. Allele origin: germline.
Comment: This sequence change replaces alanine with threonine at codon 133 of the LDLRAP1 protein (p.Ala133Thr). The alanine residue is highly conserved and there is a small physicochemical difference between alanine and threonine. This variant is present in population databases (rs529005321, ExAC 0.01%). This variant has not been reported in the literature in individuals affected with LDLRAP1-related conditions. Algorithms developed to predict the effect of missense changes on protein structure and function are either unavailable or do not agree on the potential impact of this missense change (SIFT: "Deleterious"; PolyPhen-2: "Benign"; Align-GVGD: "Class C55"). In summary, the available evidence is currently insufficient to determine the role of this variant in disease. Therefore, it has been classified as a Variant of Uncertain Significance.

PreventionGenetics, part of Exact Sciences
Classification: Uncertain significance for LDLRAP1-related condition. Last evaluated: 2024-02-08. Review status: no assertion criteria provided. Collection method: clinical testing. Allele origin: germline. Not counted in ClinVar's aggregate classification.
Comment: The LDLRAP1 c.397G>A variant is predicted to result in the amino acid substitution p.Ala133Thr. To our knowledge, this variant has not been reported in the literature. This variant is reported in 0.028% of alleles in individuals of African descent in gnomAD. At this time, the clinical significance of this variant is uncertain due to the absence of conclusive functional and genetic evidence.

Natera, Inc.
Classification: Uncertain significance for Familial hypercholesterolemia. Last evaluated: 2020-03-10. Review status: no assertion criteria provided. Collection method: clinical testing. Allele origin: germline. Not counted in ClinVar's aggregate classification.